The following is an entry in ClinVar:

ClinVar aggregate classification (germline): Benign. Review status: criteria provided, multiple submitters, no conflicts (2 of 4 stars). 5 submissions from 5 submitters: Benign (3). 2 of the submissions do not count toward it. Last evaluated 2026-02-01.

Conditions:
CEP135-related disorder. Also called: CEP135-related condition.

Allele frequency attached by ClinVar (database versions not stated): 1000 Genomes Project 0.02216; gnomAD 0.02389 and 0.02382; TOPMed 0.02691; 1000 Genomes Project 30x 0.02374; gnomAD exomes 0.02852 and 0.03335; ESP Exome Variant Server 0.02099; ExAC 0.03213.
gnomAD v4.1: 45,233 of 1,613,844 alleles (2.8%); highest among the groups gnomAD compares: Admixed American, 8.9%; 836 homozygotes.

Submissions (5):

Labcorp Genetics (formerly Invitae), Labcorp
Classification: Benign. Last evaluated: 2026-02-01. Review status: criteria provided, single submitter. Criteria: Invitae Variant Classification Sherloc (09022015). Collection method: clinical testing. Allele origin: germline.

GeneDx
Classification: Benign. Last evaluated: 2018-07-17. Review status: criteria provided, single submitter. Criteria: GeneDx Variant Classification Process June 2021. Collection method: clinical testing. Allele origin: germline. Affected: yes.

Breakthrough Genomics
Classification: Benign. Review status: criteria provided, single submitter. Criteria: ACMG Guidelines, 2015. Collection method: not provided. Allele origin: germline. Inheritance: Autosomal recessive inheritance. Affected: yes.

PreventionGenetics, part of Exact Sciences
Classification: Benign for CEP135-related condition. Last evaluated: 2019-07-19. Review status: no assertion criteria provided. Collection method: clinical testing. Allele origin: germline. Not counted in ClinVar's aggregate classification.
Comment: This variant is classified as benign based on ACMG/AMP sequence variant interpretation guidelines (Richards et al. 2015 PMID: 25741868, with internal and published modifications).

Genetic Services Laboratory, University of Chicago
Classification: Likely benign for AllHighlyPenetrant. Review status: no assertion criteria provided. Collection method: clinical testing. Allele origin: germline. Inheritance: Autosomal recessive inheritance. Not counted in ClinVar's aggregate classification.
Comment: Likely benign based on allele frequency in 1000 Genomes Project or ESP global frequency and its presence in a patient with a rare or unrelated disease phenotype. NOT Sanger confirmed.

NM_025009.5(CEP135):c.3075T>C (p.Asn1025=)

Gene: CEP135 (centrosomal protein 135; plus strand). Cytogenetic location: 4q12.
Variant type: single nucleotide variant.
Coding change: c.3075T>C on transcript NM_025009.5 (MANE Select); coding-DNA position 3075, T replaced by C.
Protein change: p.Asn1025=; no amino-acid change (asparagine 1025 retained).
Molecular consequence: synonymous variant.
Genome position (GRCh38, 1-based): chr4:56,019,415, T>C. VCF-style: chr4-56019415-T-C. GRCh37 (hg19) VCF-style: chr4-56885581-T-C.
Identifiers: ClinVar variation 128702 (VCV000128702.18), dbSNP rs61753870, ClinGen allele CA152306.